The following is an entry in ClinVar:

NM_182948.4(PRKACB):c.287C>A (p.Thr96Asn)

Gene: PRKACB (protein kinase cAMP-activated catalytic subunit beta; plus strand). Cytogenetic location: 1p31.1.
Variant type: single nucleotide variant.
Coding change: c.287C>A on transcript NM_182948.4 (MANE Select); coding-DNA position 287, C replaced by A.
Protein change: p.Thr96Asn; replaces threonine 96 with asparagine.
Molecular consequence: missense variant.
Genome position (GRCh38, 1-based): chr1:84,182,237, C>A. VCF-style: chr1-84182237-C-A. GRCh37 (hg19) VCF-style: chr1-84647920-C-A.
Other names: c.167C>A, p.Thr56Asn (NM_001242857.3, NM_001375569.1, NM_001375581.1); c.110C>A, p.Thr37Asn (NM_001242858.3, NM_001300917.2, NM_001375578.1); c.158C>A, p.Thr53Asn (NM_001242859.3, NM_001375572.1); c.164C>A, p.Thr55Asn (NM_001242860.3, NM_001300915.2, NM_001375571.1); c.155C>A, p.Thr52Asn (NM_001242861.3, NM_001375560.1, NM_001375573.1 and 1 more transcripts); c.107C>A, p.Thr36Asn (NM_001242862.3, NM_001375565.1, NM_001375579.1 and 1 more transcripts); c.287C>A, p.Thr96Asn (NM_001300916.2); c.140C>A, p.Thr47Asn (NM_001375561.1, NM_001375574.1, NM_001375577.1); and 4 more; short protein forms T36N, T37N, T44N, T45N, T47N, T48N, T49N, T52N.
Identifiers: ClinVar variation 3367679 (VCV003367679.1).

ClinVar aggregate classification (germline): Uncertain significance (1 of 4 stars; one submission).

Submission:

GeneDx
Classification: Uncertain significance. Last evaluated: 2024-01-09. Review status: criteria provided, single submitter. Criteria: GeneDx Variant Classification Process June 2021. Collection method: clinical testing. Allele origin: germline. Affected: yes.
Comment: Not observed at significant frequency in large population cohorts (gnomAD); In silico analysis supports that this missense variant has a deleterious effect on protein structure/function; Has not been previously published as pathogenic or benign to our knowledge